The following is an entry in ClinVar:

NM_018979.4(WNK1):c.4823C>T (p.Ala1608Val)

Gene: WNK1 (WNK lysine deficient protein kinase 1; plus strand). Cytogenetic location: 12p13.33.
Variant type: single nucleotide variant.
Coding change: c.4823C>T on transcript NM_018979.4 (MANE Select); coding-DNA position 4823, C replaced by T.
Protein change: p.Ala1608Val; replaces alanine 1608 with valine.
Molecular consequence: missense variant.
Genome position (GRCh38, 1-based): chr12:885,627, C>T. VCF-style: chr12-885627-C-T. GRCh37 (hg19) VCF-style: chr12-994793-C-T.
Other names: c.5579C>T (NM_213655.4); c.5603C>T, p.Ala1868Val (NM_001184985.2); c.4082C>T, p.Ala1361Val (NM_014823.3); c.5579C>T, p.Ala1860Val (NM_213655.5); short protein forms A1608V, A1860V, A1361V, A1868V.
Identifiers: ClinVar variation 582109 (VCV000582109.10), dbSNP rs781667314, ClinGen allele CA6383037.

ClinVar aggregate classification (germline): Conflicting classifications of pathogenicity. Review status: criteria provided, conflicting classifications (1 of 4 stars). 3 submissions from 3 submitters: Uncertain significance (2); Likely benign (1). Last evaluated 2023-12-05.

Conditions:
Inborn genetic diseases. Identifiers: MedGen C0950123, MeSH D030342.
Neuropathy, hereditary sensory and autonomic, type 2A (HSAN2A). Also called: HSAN IIA; ACROOSTEOLYSIS, GIACCAI TYPE; ACROOSTEOLYSIS, NEUROGENIC; WNK1-Related HSAN2 (HSAN2A); MORVAN DISEASE; NEUROPATHY, CONGENITAL SENSORY. Identifiers: Orphanet 970, MedGen C2752089, MONDO:0024309, OMIM 201300.
Pseudohypoaldosteronism type 2C (PHA2C). Also called: Pseudohypoaldosteronism Type IIC. Identifiers: Orphanet 757, Orphanet 88940, MedGen C1840391, MONDO:0013778, OMIM 614492.

Allele frequency attached by ClinVar (database versions not stated): ExAC 0.00001; gnomAD exomes 0.00002.
gnomAD v4.1: 9 of 1,614,138 alleles (0.00056%); highest among the groups gnomAD compares: Admixed American, 0.01%; no homozygotes.

Submissions (3):

Ambry Genetics
Classification: Likely benign for Inborn genetic diseases. Last evaluated: 2023-12-05. Review status: criteria provided, single submitter. Criteria: Ambry Variant Classification Scheme 2023. Collection method: clinical testing. Allele origin: germline.

Fulgent Genetics
Classification: Uncertain significance for Neuropathy, hereditary sensory and autonomic, type 2A; Pseudohypoaldosteronism type 2C. Last evaluated: 2021-10-15. Review status: criteria provided, single submitter. Criteria: ACMG Guidelines, 2015. Collection method: clinical testing. Allele origin: unknown.

Labcorp Genetics (formerly Invitae), Labcorp
Classification: Uncertain significance for Neuropathy, hereditary sensory and autonomic, type 2A; Pseudohypoaldosteronism type 2C. Last evaluated: 2018-06-21. Review status: criteria provided, single submitter. Criteria: Invitae Variant Classification Sherloc (09022015). Collection method: clinical testing. Allele origin: germline.
Comment: This sequence change replaces alanine with valine at codon 1608 of the WNK1 protein (p.Ala1608Val). The alanine residue is highly conserved and there is a small physicochemical difference between alanine and valine. This variant is present in population databases (rs781667314, ExAC 0.009%). In summary, the available evidence is currently insufficient to determine the role of this variant in disease. Therefore, it has been classified as a Variant of Uncertain Significance. Algorithms developed to predict the effect of missense changes on protein structure and function output the following: SIFT: "Tolerated"; PolyPhen-2: "Benign"; Align-GVGD: "Class C0". The valine amino acid residue is found in multiple mammalian species, suggesting that this missense change does not adversely affect protein function. These predictions have not been confirmed by published functional studies and their clinical significance is uncertain. This variant has not been reported in the literature in individuals with WNK1-related disease.